The following is an entry in ClinVar:

ClinVar aggregate classification (germline): Uncertain significance. Review status: criteria provided, multiple submitters, no conflicts (2 of 4 stars). 2 submissions from 2 submitters: Uncertain significance (2). Last evaluated 2024-11-18.

Allele frequency attached by ClinVar (database versions not stated): ExAC 0.00009; gnomAD exomes 0.00012; TOPMed 0.00018.
gnomAD v4.1: 275 of 1,613,244 alleles (0.017%); highest among the groups gnomAD compares: Admixed American, 0.038%; no homozygotes.

Submissions (2):

Blueprint Genetics
Classification: Uncertain significance. Last evaluated: 2024-11-18. Review status: criteria provided, single submitter. Criteria: ACMG Guidelines, 2015. Collection method: clinical testing. Allele origin: germline.

Labcorp Genetics (formerly Invitae), Labcorp
Classification: Uncertain significance. Last evaluated: 2022-08-02. Review status: criteria provided, single submitter. Criteria: Invitae Variant Classification Sherloc (09022015). Collection method: clinical testing. Allele origin: germline.
Comment: This sequence change replaces asparagine, which is neutral and polar, with lysine, which is basic and polar, at codon 128 of the GRXCR2 protein (p.Asn128Lys). This variant is present in population databases (rs745536409, gnomAD 0.03%). This variant has not been reported in the literature in individuals affected with GRXCR2-related conditions. ClinVar contains an entry for this variant (Variation ID: 1523199). Algorithms developed to predict the effect of missense changes on protein structure and function (SIFT, PolyPhen-2, Align-GVGD) all suggest that this variant is likely to be disruptive. In summary, the available evidence is currently insufficient to determine the role of this variant in disease. Therefore, it has been classified as a Variant of Uncertain Significance.

NM_001080516.2(GRXCR2):c.384C>A (p.Asn128Lys)

Gene: GRXCR2 (glutaredoxin and cysteine rich domain containing 2; minus strand). Cytogenetic location: 5q32.
Variant type: single nucleotide variant.
Coding change: c.384C>A on transcript NM_001080516.2 (MANE Select); coding-DNA position 384, C replaced by A.
Protein change: p.Asn128Lys; replaces asparagine 128 with lysine.
Molecular consequence: missense variant.
Genome position (GRCh38, 1-based): chr5:145,866,681, G>T on the plus strand (C>A on the coding strand, the complement: GRXCR2 is on the minus strand). VCF-style: chr5-145866681-G-T. GRCh37 (hg19) VCF-style: chr5-145246244-G-T.
Other names: short protein forms N128K.
Identifiers: ClinVar variation 1523199 (VCV001523199.6), dbSNP rs745536409, ClinGen allele CA3488028.